The following is an entry in ClinVar:

NM_006904.7(PRKDC):c.1582G>T (p.Val528Leu)

Gene: PRKDC (protein kinase, DNA-activated, catalytic subunit; minus strand). Cytogenetic location: 8q11.21.
Variant type: single nucleotide variant.
Coding change: c.1582G>T on transcript NM_006904.7 (MANE Select); coding-DNA position 1582, G replaced by T.
Protein change: p.Val528Leu; replaces valine 528 with leucine.
Molecular consequence: missense variant.
Genome position (GRCh38, 1-based): chr8:47,934,006, C>A on the plus strand (G>T on the coding strand, the complement: PRKDC is on the minus strand). VCF-style: chr8-47934006-C-A. GRCh37 (hg19) VCF-style: chr8-48846566-C-A.
Other names: c.1582G>T, p.Val528Leu (NM_001081640.2); short protein forms V528L.
Identifiers: ClinVar variation 1896602 (VCV001896602.5), dbSNP rs533171314, ClinGen allele CA371165335.

ClinVar aggregate classification (germline): Uncertain significance (1 of 4 stars; one submission).

Conditions:
Severe combined immunodeficiency due to DNA-PKcs deficiency. Also called: IMMUNODEFICIENCY 26 WITH NEUROLOGIC ABNORMALITIES; Immunodeficiency 26 with or without neurologic abnormalities. Identifiers: Orphanet 317425, MedGen C4014833, MONDO:0014423, OMIM 615966.

gnomAD v4.1: 4 of 1,613,484 alleles (0.00025%); highest among the groups gnomAD compares: Middle Eastern, 0.018%; no homozygotes.

Submission:

Labcorp Genetics (formerly Invitae), Labcorp
Classification: Uncertain significance for Severe combined immunodeficiency due to DNA-PKcs deficiency. Last evaluated: 2022-12-06. Review status: criteria provided, single submitter. Criteria: Invitae Variant Classification Sherloc (09022015). Collection method: clinical testing. Allele origin: germline.
Comment: This variant has not been reported in the literature in individuals affected with PRKDC-related conditions. In summary, the available evidence is currently insufficient to determine the role of this variant in disease. Therefore, it has been classified as a Variant of Uncertain Significance. Advanced modeling of protein sequence and biophysical properties (such as structural, functional, and spatial information, amino acid conservation, physicochemical variation, residue mobility, and thermodynamic stability) performed at Invitae indicates that this missense variant is not expected to disrupt PRKDC protein function. This variant is not present in population databases (gnomAD no frequency). This sequence change replaces valine, which is neutral and non-polar, with leucine, which is neutral and non-polar, at codon 528 of the PRKDC protein (p.Val528Leu).